The following is an entry in ClinVar:

NM_002890.3(RASA1):c.353A>G (p.Lys118Arg)

Gene: RASA1 (RAS p21 protein activator 1; plus strand). Cytogenetic location: 5q14.3.
Variant type: single nucleotide variant.
Coding change: c.353A>G on transcript NM_002890.3 (MANE Select); coding-DNA position 353, A replaced by G.
Protein change: p.Lys118Arg; replaces lysine 118 with arginine.
Molecular consequence: missense variant.
Genome position (GRCh38, 1-based): chr5:87,268,804, A>G. VCF-style: chr5-87268804-A-G. GRCh37 (hg19) VCF-style: chr5-86564621-A-G.
Other names: short protein forms K118R.
Identifiers: ClinVar variation 2503112 (VCV002503112.3), dbSNP rs1357841658, ClinGen allele CA360417229.

ClinVar aggregate classification (germline): Uncertain significance. Review status: criteria provided, multiple submitters, no conflicts (2 of 4 stars). 2 submissions from 2 submitters: Uncertain significance (2). Last evaluated 2025-03-30.

Conditions:
Capillary malformation-arteriovenous malformation 1 (CMAVM1). Identifiers: Orphanet 137667, Orphanet 693907, MedGen C4747394, MONDO:0020783, OMIM 608354.
Capillary malformation-arteriovenous malformation syndrome. Also called: Capillary malformation-arteriovenous malformation. Identifiers: Orphanet 137667, MedGen C1842180, MONDO:0012016.

gnomAD v4.1: 4 of 1,613,982 alleles (0.00025%); highest among the groups gnomAD compares: South Asian, 0.0033%; no homozygotes.

Submissions (2):

Labcorp Genetics (formerly Invitae), Labcorp
Classification: Uncertain significance for Capillary malformation-arteriovenous malformation syndrome. Last evaluated: 2025-03-30. Review status: criteria provided, single submitter. Criteria: Invitae Variant Classification Sherloc (09022015). Collection method: clinical testing. Allele origin: germline.
Comment: This sequence change replaces lysine, which is basic and polar, with arginine, which is basic and polar, at codon 118 of the RASA1 protein (p.Lys118Arg). This variant is present in population databases (no rsID available, gnomAD 0.003%). This variant has not been reported in the literature in individuals affected with RASA1-related conditions. ClinVar contains an entry for this variant (Variation ID: 2503112). An algorithm developed to predict the effect of missense changes on protein structure and function outputs the following: PolyPhen-2: "Benign". The arginine amino acid residue is found in multiple mammalian species, which suggests that this missense change does not adversely affect protein function. In summary, the available evidence is currently insufficient to determine the role of this variant in disease. Therefore, it has been classified as a Variant of Uncertain Significance.

Johns Hopkins Genomics, Johns Hopkins University
Classification: Uncertain significance for Capillary malformation-arteriovenous malformation 1. Last evaluated: 2023-03-09. Review status: criteria provided, single submitter. Criteria: ACMG Guidelines, 2015. Collection method: clinical testing. Allele origin: germline.
Comment: This RASA1 missense variant (rs1357841658) is rare (<0.1%) in a large population dataset (gnomAD v2.1.1: 1/251140 total alleles; 0.0004%; no homozygotes). It has not been reported in ClinVar nor the literature, to our knowledge. Two bioinformatic tools queried predict that this substitution would be tolerated, and the lysine residue at this position is evolutionarily conserved across many species assessed, but seven species have arganine at this position. We consider the clinical significance of c.353A>G; p.Lys118Arg in RASA1 to be uncertain at this time.